The following is an entry in ClinVar:

ClinVar aggregate classification (germline): Uncertain significance (1 of 4 stars; one submission).

Submission:

Ambry Genetics
Classification: Uncertain significance. Last evaluated: 2022-08-30. Review status: criteria provided, single submitter. Criteria: Ambry Variant Classification Scheme 2023. Collection method: clinical testing. Allele origin: germline.
Comment: The p.R1944K variant (also known as c.5831G>A), located in coding exon 18 of the POLQ gene, results from a G to A substitution at nucleotide position 5831. The arginine at codon 1944 is replaced by lysine, an amino acid with highly similar properties. This amino acid position is conserved. In addition, this alteration is predicted to be tolerated by in silico analysis. Since supporting evidence is limited at this time, the clinical significance of this alteration remains unclear.

NM_199420.4(POLQ):c.5831G>A (p.Arg1944Lys)

Gene: POLQ (DNA polymerase theta; minus strand). Cytogenetic location: 3q13.33.
Variant type: single nucleotide variant.
Coding change: c.5831G>A on transcript NM_199420.4 (MANE Select); coding-DNA position 5831, G replaced by A.
Protein change: p.Arg1944Lys; replaces arginine 1944 with lysine.
Molecular consequence: missense variant.
Genome position (GRCh38, 1-based): chr3:121,483,525, C>T on the plus strand (G>A on the coding strand, the complement: POLQ is on the minus strand). VCF-style: chr3-121483525-C-T. GRCh37 (hg19) VCF-style: chr3-121202372-C-T.
Other names: short protein forms R1944K.
Identifiers: ClinVar variation 1749978 (VCV001749978.2), dbSNP rs2546781785, ClinGen allele CA354088701.